The following is an entry in ClinVar:

ClinVar aggregate classification (germline): Benign. Review status: criteria provided, multiple submitters, no conflicts (2 of 4 stars). 2 submissions from 2 submitters: Benign (2). Last evaluated 2018-06-13.

Allele frequency attached by ClinVar (database versions not stated): 1000 Genomes Project 30x 0.03966; 1000 Genomes Project 0.04173; TOPMed 0.06998; gnomAD 0.07550 and 0.07652; gnomAD exomes 0.10673.
gnomAD v4.1: 149,195 of 1,450,350 alleles (10%); highest among the groups gnomAD compares: Non-Finnish European, 12%; 8,599 homozygotes.

Submissions (2):

GeneDx
Classification: Benign. Last evaluated: 2018-06-13. Review status: criteria provided, single submitter. Criteria: GeneDx Variant Classification (06012015). Collection method: clinical testing. Allele origin: germline. Affected: yes.
Comment: This variant is considered likely benign or benign based on one or more of the following criteria: it is a conservative change, it occurs at a poorly conserved position in the protein, it is predicted to be benign by multiple in silico algorithms, and/or has population frequency not consistent with disease.

Breakthrough Genomics
Classification: Benign. Review status: criteria provided, single submitter. Criteria: ACMG Guidelines, 2015. Collection method: not provided. Allele origin: germline. Inheritance: Unknown mechanism. Affected: yes.

NM_030770.4(TMPRSS5):c.965-66C>T

Genes: TMPRSS5 (transmembrane serine protease 5; minus strand), LOC126861343 (MED14-independent group 3 enhancer GRCh37_chr11:113560791-113561990; plus strand). Cytogenetic location: 11q23.2.
Variant type: single nucleotide variant.
Coding change: c.965-66C>T on transcript NM_030770.4 (MANE Select); 66 bases into the intron before coding-DNA position 965, C replaced by T.
Molecular consequence: intron variant.
Genome position (GRCh38, 1-based): chr11:113,691,005, G>A on the plus strand (C>T on the coding strand, the complement: TMPRSS5 is on the minus strand). VCF-style: chr11-113691005-G-A. GRCh37 (hg19) VCF-style: chr11-113561727-G-A.
Other names: c.626-66C>T (NM_001288749.2); c.833-66C>T (NM_001288750.2); c.758-66C>T (NM_001288752.2); c.938-66C>T (NM_001288751.2).
Identifiers: ClinVar variation 682698 (VCV000682698.2), dbSNP rs11607690, ClinGen allele CA13492566.